The following is an entry in ClinVar:

ClinVar aggregate classification (germline): Uncertain significance (1 of 4 stars; one submission).

Allele frequency attached by ClinVar (database versions not stated): gnomAD exomes 0.00001.
gnomAD v4.1: 5 of 1,614,018 alleles (0.00031%); highest among the groups gnomAD compares: Non-Finnish European, 0.00042%; no homozygotes.

Submission:

Labcorp Genetics (formerly Invitae), Labcorp
Classification: Uncertain significance. Last evaluated: 2022-07-12. Review status: criteria provided, single submitter. Criteria: Invitae Variant Classification Sherloc (09022015). Collection method: clinical testing. Allele origin: germline.
Comment: This variant has not been reported in the literature in individuals affected with FREM2-related conditions. This sequence change replaces serine, which is neutral and polar, with asparagine, which is neutral and polar, at codon 2497 of the FREM2 protein (p.Ser2497Asn). This variant is not present in population databases (gnomAD no frequency). Algorithms developed to predict the effect of missense changes on protein structure and function are either unavailable or do not agree on the potential impact of this missense change (SIFT: "Deleterious"; PolyPhen-2: "Probably Damaging"; Align-GVGD: "Class C0"). In summary, the available evidence is currently insufficient to determine the role of this variant in disease. Therefore, it has been classified as a Variant of Uncertain Significance.

NM_207361.6(FREM2):c.7490G>A (p.Ser2497Asn)

Gene: FREM2 (FRAS1 related extracellular matrix 2; plus strand). Cytogenetic location: 13q13.3.
Variant type: single nucleotide variant.
Coding change: c.7490G>A on transcript NM_207361.6 (MANE Select); coding-DNA position 7490, G replaced by A.
Protein change: p.Ser2497Asn; replaces serine 2497 with asparagine.
Molecular consequence: missense variant.
Genome position (GRCh38, 1-based): chr13:38,859,561, G>A. VCF-style: chr13-38859561-G-A. GRCh37 (hg19) VCF-style: chr13-39433698-G-A.
Other names: short protein forms S2497N.
Identifiers: ClinVar variation 2068539 (VCV002068539.4), dbSNP rs2541495868, ClinGen allele CA387898748.